The following is an entry in ClinVar:

ClinVar aggregate classification (germline): Uncertain significance (1 of 4 stars; one submission).

Conditions:
Inborn genetic diseases. Identifiers: MedGen C0950123, MeSH D030342.

Allele frequency attached by ClinVar (database versions not stated): gnomAD exomes 0.00001; ExAC 0.00002.
gnomAD v4.1: 3 of 1,614,000 alleles (0.00019%); highest among the groups gnomAD compares: Admixed American, 0.005%; no homozygotes.

Submission:

Ambry Genetics
Classification: Uncertain significance for Inborn genetic diseases. Last evaluated: 2023-05-28. Review status: criteria provided, single submitter. Criteria: Ambry Variant Classification Scheme 2023. Collection method: clinical testing. Allele origin: germline.
Comment: The p.E1014Q variant (also known as c.3040G>C), located in coding exon 23 of the LRRK2 gene, results from a G to C substitution at nucleotide position 3040. The glutamic acid at codon 1014 is replaced by glutamine, an amino acid with highly similar properties. This amino acid position is conserved. In addition, this alteration is predicted to be tolerated by in silico analysis. Since supporting evidence is limited at this time, the clinical significance of this alteration remains unclear.

NM_198578.4(LRRK2):c.3040G>C (p.Glu1014Gln)

Gene: LRRK2 (leucine rich repeat kinase 2; plus strand). Cytogenetic location: 12q12.
Variant type: single nucleotide variant.
Coding change: c.3040G>C on transcript NM_198578.4 (MANE Select); coding-DNA position 3040, G replaced by C.
Protein change: p.Glu1014Gln; replaces glutamic acid 1014 with glutamine.
Molecular consequence: missense variant.
Genome position (GRCh38, 1-based): chr12:40,295,588, G>C. VCF-style: chr12-40295588-G-C. GRCh37 (hg19) VCF-style: chr12-40689390-G-C.
Other names: short protein forms E1014Q.
Identifiers: ClinVar variation 2562435 (VCV002562435.2), dbSNP rs748547916, ClinGen allele CA6513814.